The following is an entry in ClinVar:

ClinVar aggregate classification (germline): Uncertain significance (1 of 4 stars; one submission).

Allele frequency attached by ClinVar (database versions not stated): gnomAD exomes below 0.00001; TOPMed below 0.00001; gnomAD 0.00001; ExAC 0.00002.
gnomAD v4.1: 3 of 1,597,174 alleles (0.00019%); highest among the groups gnomAD compares: Non-Finnish European, 0.00026%; no homozygotes.

Submission:

Labcorp Genetics (formerly Invitae), Labcorp
Classification: Uncertain significance. Last evaluated: 2022-02-19. Review status: criteria provided, single submitter. Criteria: Invitae Variant Classification Sherloc (09022015). Collection method: clinical testing. Allele origin: germline.
Comment: The frequency data for this variant in the population databases is considered unreliable, as metrics indicate poor data quality at this position in the gnomAD database. This sequence change replaces histidine, which is basic and polar, with arginine, which is basic and polar, at codon 152 of the CEP78 protein (p.His152Arg). This variant has not been reported in the literature in individuals affected with CEP78-related conditions. In summary, the available evidence is currently insufficient to determine the role of this variant in disease. Therefore, it has been classified as a Variant of Uncertain Significance. Algorithms developed to predict the effect of missense changes on protein structure and function are either unavailable or do not agree on the potential impact of this missense change (SIFT: "Tolerated"; PolyPhen-2: "Probably Damaging"; Align-GVGD: "Class C0").

NM_001330691.3(CEP78):c.455A>G (p.His152Arg)

Gene: CEP78 (centrosomal protein 78; plus strand). Cytogenetic location: 9q21.2.
Variant type: single nucleotide variant.
Coding change: c.455A>G on transcript NM_001330691.3 (MANE Select); coding-DNA position 455, A replaced by G.
Protein change: p.His152Arg; replaces histidine 152 with arginine.
Molecular consequence: missense variant.
Genome position (GRCh38, 1-based): chr9:78,240,320, A>G. VCF-style: chr9-78240320-A-G. GRCh37 (hg19) VCF-style: chr9-80855236-A-G.
Other names: c.455A>G, p.His152Arg (NM_001098802.3, NM_001330693.3, NM_001330694.2 and 4 more transcripts); short protein forms H152R.
Identifiers: ClinVar variation 1989032 (VCV001989032.4), dbSNP rs762414246, ClinGen allele CA5094921.